The following is an entry in ClinVar:

NM_174936.4(PCSK9):c.1567A>G (p.Ile523Val)

Gene: PCSK9 (proprotein convertase subtilisin/kexin type 9; plus strand). Cytogenetic location: 1p32.3.
Variant type: single nucleotide variant.
Coding change: c.1567A>G on transcript NM_174936.4 (MANE Select); coding-DNA position 1567, A replaced by G.
Protein change: p.Ile523Val; replaces isoleucine 523 with valine.
Molecular consequence: missense variant.
Genome position (GRCh38, 1-based): chr1:55,059,549, A>G. VCF-style: chr1-55059549-A-G. GRCh37 (hg19) VCF-style: chr1-55525222-A-G.
Other names: c.1690A>G, p.Ile564Val (NM_001407240.1); c.1609A>G, p.Ile537Val (NM_001407241.1); c.1570A>G, p.Ile524Val (NM_001407242.1); c.1510A>G, p.Ile504Val (NM_001407243.1); c.1393A>G, p.Ile465Val (NM_001407244.1); c.1375A>G, p.Ile459Val (NM_001407245.1); c.1192A>G, p.Ile398Val (NM_001407246.1); short protein forms I398V, I523V, I564V, I459V, I524V, I465V, I504V, I537V.
Identifiers: ClinVar variation 1775396 (VCV001775396.3), dbSNP rs1317742736, ClinGen allele CA340479857.

ClinVar aggregate classification (germline): Conflicting classifications of pathogenicity. Review status: criteria provided, conflicting classifications (1 of 4 stars). 2 submissions from 2 submitters: Uncertain significance (1); Likely benign (1). Last evaluated 2023-12-01.

Conditions:
Cardiovascular phenotype. Identifiers: MedGen CN230736.
Hypercholesterolemia, autosomal dominant, 3 (FHCL3). Also called: Familial Hypercholesterolemia, Autosomal Dominant, 3; PCSK9-Related Familial Hypercholesterolemia, Autosomal Dominant; Familial hypercholesterolemia 3. Identifiers: MedGen C1863551, MONDO:0011369, OMIM 603776.

Allele frequency attached by ClinVar (database versions not stated): gnomAD 0.00001; TOPMed 0.00002.

Submissions (2):

All of Us Research Program, National Institutes of Health
Classification: Uncertain significance for Hypercholesterolemia, autosomal dominant, 3. Last evaluated: 2023-12-01. Review status: criteria provided, single submitter. Criteria: ACMG Guidelines, 2015. Collection method: clinical testing. Allele origin: germline. Inheritance: Autosomal dominant inheritance. Observed: 2 variant alleles, 2 heterozygotes.
Comment: This missense variant replaces isoleucine with valine at codon 523 of the PCSK9 protein. Computational prediction suggests that this variant may not impact protein structure and function (internally defined REVEL score threshold <= 0.5, PMID: 27666373). To our knowledge, functional studies have not been reported for this variant. This variant has not been reported in individuals affected with PCSK9-related disorders in the literature. This variant has not been identified in the general population by the Genome Aggregation Database (gnomAD). The available evidence is insufficient to determine the role of this variant in disease conclusively. Therefore, this variant is classified as a Variant of Uncertain Significance.

This study involves interpretation of variants in research participants for the purpose of population health screening. Participant phenotype was not available at the time of variant classification. Additional details can be found in publication PMID: 35346344, PMCID: PMC8962531

Ambry Genetics
Classification: Likely benign for Cardiovascular phenotype. Last evaluated: 2022-10-21. Review status: criteria provided, single submitter. Criteria: Ambry Variant Classification Scheme 2023. Collection method: clinical testing. Allele origin: germline.